The following is an entry in ClinVar:

NM_017654.4(SAMD9):c.1490G>C (p.Arg497Thr)

Gene: SAMD9 (sterile alpha motif domain containing 9; minus strand). Cytogenetic location: 7q21.2.
Variant type: single nucleotide variant.
Coding change: c.1490G>C on transcript NM_017654.4 (MANE Select); coding-DNA position 1490, G replaced by C.
Protein change: p.Arg497Thr; replaces arginine 497 with threonine.
Molecular consequence: missense variant.
Genome position (GRCh38, 1-based): chr7:93,104,608, C>G on the plus strand (G>C on the coding strand, the complement: SAMD9 is on the minus strand). VCF-style: chr7-93104608-C-G. GRCh37 (hg19) VCF-style: chr7-92733921-C-G.
Other names: c.1490G>C, p.Arg497Thr (NM_001193307.2); short protein forms R497T.
Identifiers: ClinVar variation 4629805 (VCV004629805.1).

ClinVar aggregate classification (germline): Uncertain significance (1 of 4 stars; one submission).

Conditions:
Inborn genetic diseases. Identifiers: MedGen C0950123, MeSH D030342.

Submission:

Ambry Genetics
Classification: Uncertain significance for Inborn genetic diseases. Last evaluated: 2025-09-19. Review status: criteria provided, single submitter. Criteria: Ambry Variant Classification Scheme 2023. Collection method: clinical testing. Allele origin: germline.
Comment: The p.R497T variant (also known as c.1490G>C), located in coding exon 1 of the SAMD9 gene, results from a G to C substitution at nucleotide position 1490. The arginine at codon 497 is replaced by threonine, an amino acid with similar properties. This amino acid position is conserved. In addition, this alteration is predicted to be tolerated by in silico analysis. Based on the available evidence, the clinical significance of this variant remains unclear.